The following is an entry in ClinVar:

NM_000301.5(PLG):c.164A>G (p.Glu55Gly)

Gene: PLG (plasminogen; plus strand). Cytogenetic location: 6q26.
Variant type: single nucleotide variant.
Coding change: c.164A>G on transcript NM_000301.5 (MANE Select); coding-DNA position 164, A replaced by G.
Protein change: p.Glu55Gly; replaces glutamic acid 55 with glycine.
Molecular consequence: missense variant.
Genome position (GRCh38, 1-based): chr6:160,706,521, A>G. VCF-style: chr6-160706521-A-G. GRCh37 (hg19) VCF-style: chr6-161127553-A-G.
Other names: c.164A>G, p.Glu55Gly (NM_001168338.1); short protein forms E55G.
Identifiers: ClinVar variation 2801477 (VCV002801477.3), dbSNP rs2484311027, ClinGen allele CA366357439.
Genomic context (GRCh38, chr6:160,706,521, plus strand): 5'-GTGTCACTAAGAAGCAGCTGGGAGCAGGAAGTATAGAAGAATGTGCAGCAAAATGTGAGG[A>G]GGACGAAGAATTCACCTGCAGGTATTTCCATTGTCGTTGCACCTACGCAGGAATCTGTAA-3'
Protein context (NP_000292.1, residues 45-65): SIEECAAKCE[Glu55Gly]DEEFTCRAFQ

ClinVar aggregate classification (germline): Uncertain significance (1 of 4 stars; one submission).

Submission:

Labcorp Genetics (formerly Invitae), Labcorp
Classification: Uncertain significance. Last evaluated: 2023-01-28. Review status: criteria provided, single submitter. Criteria: Invitae Variant Classification Sherloc (09022015). Collection method: clinical testing. Allele origin: germline.
Comment: In summary, the available evidence is currently insufficient to determine the role of this variant in disease. Therefore, it has been classified as a Variant of Uncertain Significance. Advanced modeling of protein sequence and biophysical properties (such as structural, functional, and spatial information, amino acid conservation, physicochemical variation, residue mobility, and thermodynamic stability) performed at Invitae indicates that this missense variant is not expected to disrupt PLG protein function. This variant has not been reported in the literature in individuals affected with PLG-related conditions. This variant is not present in population databases (gnomAD no frequency). This sequence change replaces glutamic acid, which is acidic and polar, with glycine, which is neutral and non-polar, at codon 55 of the PLG protein (p.Glu55Gly).